The following is an entry in ClinVar:

NM_022095.4(ZNF335):c.1417C>T (p.Arg473Cys)

Gene: ZNF335 (zinc finger protein 335; minus strand). Cytogenetic location: 20q13.12.
Variant type: single nucleotide variant.
Coding change: c.1417C>T on transcript NM_022095.4 (MANE Select); coding-DNA position 1417, C replaced by T.
Protein change: p.Arg473Cys; replaces arginine 473 with cysteine.
Molecular consequence: missense variant.
Genome position (GRCh38, 1-based): chr20:45,963,589, G>A on the plus strand (C>T on the coding strand, the complement: ZNF335 is on the minus strand). VCF-style: chr20-45963589-G-A. GRCh37 (hg19) VCF-style: chr20-44592228-G-A.
Other names: c.1417C>T (NM_022095.3); short protein forms R473C.
Identifiers: ClinVar variation 2069786 (VCV002069786.5), dbSNP rs545260237, ClinGen allele CA9885735.

ClinVar aggregate classification (germline): Uncertain significance. Review status: criteria provided, multiple submitters, no conflicts (2 of 4 stars). 2 submissions from 2 submitters: Uncertain significance (2). Last evaluated 2023-11-13.

Conditions:
Inborn genetic diseases. Identifiers: MedGen C0950123, MeSH D030342.

Allele frequency attached by ClinVar (database versions not stated): gnomAD 0.00004; gnomAD exomes 0.00013; ExAC 0.00010; TOPMed 0.00006.

Submissions (2):

Ambry Genetics
Classification: Uncertain significance for Inborn genetic diseases. Last evaluated: 2023-11-13. Review status: criteria provided, single submitter. Criteria: Ambry Variant Classification Scheme 2023. Collection method: clinical testing. Allele origin: germline.

Labcorp Genetics (formerly Invitae), Labcorp
Classification: Uncertain significance. Last evaluated: 2022-08-22. Review status: criteria provided, single submitter. Criteria: Invitae Variant Classification Sherloc (09022015). Collection method: clinical testing. Allele origin: germline.
Comment: In summary, the available evidence is currently insufficient to determine the role of this variant in disease. Therefore, it has been classified as a Variant of Uncertain Significance. Algorithms developed to predict the effect of missense changes on protein structure and function (SIFT, PolyPhen-2, Align-GVGD) all suggest that this variant is likely to be disruptive. This variant has not been reported in the literature in individuals affected with ZNF335-related conditions. This variant is present in population databases (rs545260237, gnomAD 0.03%). This sequence change replaces arginine, which is basic and polar, with cysteine, which is neutral and slightly polar, at codon 473 of the ZNF335 protein (p.Arg473Cys).